The following is an entry in ClinVar:

NM_001848.3(COL6A1):c.905G>A (p.Gly302Glu)

Gene: COL6A1 (collagen type VI alpha 1 chain; plus strand). Cytogenetic location: 21q22.3.
Variant type: single nucleotide variant.
Coding change: c.905G>A on transcript NM_001848.3 (MANE Select); coding-DNA position 905, G replaced by A.
Protein change: p.Gly302Glu; replaces glycine 302 with glutamic acid.
Molecular consequence: missense variant.
Genome position (GRCh38, 1-based): chr21:45,989,753, G>A. VCF-style: chr21-45989753-G-A. GRCh37 (hg19) VCF-style: chr21-47409667-G-A.
Other names: short protein forms G302E.
Identifiers: ClinVar variation 542988 (VCV000542988.11), dbSNP rs1556425566, ClinGen allele CA410522282.

ClinVar aggregate classification (germline): Pathogenic (1 of 4 stars; one submission).

Conditions:
Bethlem myopathy 1A. Also called: MYOPATHY, BENIGN CONGENITAL, WITH CONTRACTURES; Bethlem Muscular Dystrophy; Bethlem myopathy 1. Identifiers: Orphanet 610, MedGen CN029274, MONDO:0024530, OMIM 158810.

Submission:

Labcorp Genetics (formerly Invitae), Labcorp
Classification: Pathogenic for Bethlem myopathy 1A. Last evaluated: 2024-02-23. Review status: criteria provided, single submitter. Criteria: Invitae Variant Classification Sherloc (09022015). Collection method: clinical testing. Allele origin: germline.
Comment: This sequence change replaces glycine, which is neutral and non-polar, with glutamic acid, which is acidic and polar, at codon 302 of the COL6A1 protein (p.Gly302Glu). This variant is not present in population databases (gnomAD no frequency). This missense change has been observed in individual(s) with clinical features of COL6A1-related conditions (Invitae). ClinVar contains an entry for this variant (Variation ID: 542988). Experimental studies and prediction algorithms are not available or were not evaluated, and the functional significance of this variant is currently unknown. This variant disrupts the triple helix domain of COL6A1. Glycine residues within the Gly-Xaa-Yaa repeats of the triple helix domain are required for the structure and stability of fibrillar collagens (PMID: 7695699, 8218237, 19344236). In COL6A1, variants at these glycine residues are significantly enriched in individuals with autosomal dominant disease (PMID: 15689448, 24038877) compared to the general population (ExAC). For these reasons, this variant has been classified as Pathogenic.

Literature cited by the submitters: PubMed 7695699; PubMed 8218237; PubMed 19344236; PubMed 15689448; PubMed 24038877.